The following is an entry in ClinVar:

ClinVar aggregate classification (germline): Uncertain significance (1 of 4 stars; one submission).

Conditions:
TNF receptor-associated periodic fever syndrome (TRAPS) (FPF). Also called: TNF RECEPTOR-ASSOCIATED PERIODIC SYNDROME; TUMOR NECROSIS FACTOR RECEPTOR-ASSOCIATED PERIODIC SYNDROME; Autosomal Dominant Familial Periodic Fever; TNF Receptor-Associated Periodic Fever Syndrome; TNF receptor 1-associated periodic fever syndrome; FAMILIAL HIBERNIAN FEVER. Identifiers: Orphanet 32960, MedGen C1275126, MONDO:0007727, OMIM 142680.

Allele frequency attached by ClinVar (database versions not stated): gnomAD 0.00001; gnomAD exomes 0.00001; TOPMed 0.00001.
gnomAD v4.1: 13 of 1,599,114 alleles (0.00081%); highest among the groups gnomAD compares: Non-Finnish European, 0.001%; no homozygotes.

Submission:

Labcorp Genetics (formerly Invitae), Labcorp
Classification: Uncertain significance for TNF receptor-associated periodic fever syndrome (TRAPS). Last evaluated: 2025-07-20. Review status: criteria provided, single submitter. Criteria: Invitae Variant Classification Sherloc (09022015). Collection method: clinical testing. Allele origin: germline.
Comment: This sequence change replaces alanine, which is neutral and non-polar, with glutamic acid, which is acidic and polar, at codon 326 of the TNFRSF1A protein (p.Ala326Glu). This variant is not present in population databases (gnomAD no frequency). This variant has not been reported in the literature in individuals affected with TNFRSF1A-related conditions. ClinVar contains an entry for this variant (Variation ID: 1350984). Invitae Evidence Modeling of protein sequence and biophysical properties (such as structural, functional, and spatial information, amino acid conservation, physicochemical variation, residue mobility, and thermodynamic stability) has been performed for this missense variant. However, the output from this modeling did not meet the statistical confidence thresholds required to predict the impact of this variant on TNFRSF1A protein function. In summary, the available evidence is currently insufficient to determine the role of this variant in disease. Therefore, it has been classified as a Variant of Uncertain Significance.

NM_001065.4(TNFRSF1A):c.977C>A (p.Ala326Glu)

Gene: TNFRSF1A (TNF receptor superfamily member 1A; minus strand). Cytogenetic location: 12p13.31.
Variant type: single nucleotide variant.
Coding change: c.977C>A on transcript NM_001065.4 (MANE Select); coding-DNA position 977, C replaced by A.
Protein change: p.Ala326Glu; replaces alanine 326 with glutamic acid.
Molecular consequence: missense variant. On other transcripts: non-coding transcript variant (1).
Genome position (GRCh38, 1-based): chr12:6,329,858, G>T on the plus strand (C>A on the coding strand, the complement: TNFRSF1A is on the minus strand). VCF-style: chr12-6329858-G-T. GRCh37 (hg19) VCF-style: chr12-6439024-G-T.
Other names: c.653C>A, p.Ala218Glu (NM_001346091.2); c.518C>A, p.Ala173Glu (NM_001346092.2); short protein forms A326E, A173E, A218E.
Identifiers: ClinVar variation 1350984 (VCV001350984.6), dbSNP rs1183554136, ClinGen allele CA383545738.
Genomic context (GRCh38, chr12:6,329,858, plus strand): 5'-TGGGCGCTGTCCTCCCACTTCTGAAGGGGGTTGGGGATGGGGTCGGAGGCGAGGGCTGTC[G>T]CAAGGATGGGGTCAGCCCCCTGATAGGGTGGTGCCACCTCTCTGCGGGGAGCCGCAAAGT-3'
Protein context (NP_001056.1, residues 316-336): PPYQGADPIL[Ala326Glu]TALASDPIPN